The following is an entry in ClinVar:

ClinVar aggregate classification (germline): Pathogenic (1 of 4 stars; one submission).

Conditions:
Cystic fibrosis (CF). Also called: MUCOVISCIDOSIS. Identifiers: Orphanet 586, MedGen C0010674, MONDO:0009061, OMIM 219700. Disease mechanism: loss of function.

Submission:

Women's Health and Genetics/Laboratory Corporation of America, LabCorp
Classification: Pathogenic for Cystic fibrosis. Last evaluated: 2024-02-27. Review status: criteria provided, single submitter. Criteria: LabCorp Variant Classification Summary - May 2015. Collection method: clinical testing. Allele origin: germline.
Comment: Variant summary: The variant involves the deletion of exons 4-20 in the CFTR gene. A presumed nomenclature of c.(273+1_274-1)_(3367+1_3368-1)del has been designated for the purposes of this classification. This Copy Number Variant (CNV) is expected to alter the reading frame and is predicted to result in a truncation or absence of the encoded protein due to nonsense mediated decay (NMD). The variant was absent in 21694 control chromosomes (gnomAD, structural variants dataset). To our knowledge, no occurrence of c.(273+1_274-1)_(3367+1_3368-1)del in individuals affected with Cystic Fibrosis and no experimental evidence demonstrating its impact on protein function have been reported. No submitters have cited clinical-significance assessments for this variant to ClinVar. Based on the evidence outlined above, the variant was classified as pathogenic.

NC_000007.13:g.(117149197_117170952)_(117251863_117254666)del

Gene: CFTR (CF transmembrane conductance regulator; plus strand). Cytogenetic location: 7q31.2.
Variant type: Deletion.
Identifiers: ClinVar variation 3068884 (VCV003068884.1).